The following is an entry in ClinVar:

NM_020937.4(FANCM):c.3436G>A (p.Asp1146Asn)

Gene: FANCM (FA complementation group M; plus strand). Cytogenetic location: 14q21.2.
Variant type: single nucleotide variant.
Coding change: c.3436G>A on transcript NM_020937.4 (MANE Select); coding-DNA position 3436, G replaced by A.
Protein change: p.Asp1146Asn; replaces aspartic acid 1146 with asparagine.
Molecular consequence: missense variant.
Genome position (GRCh38, 1-based): chr14:45,176,190, G>A. VCF-style: chr14-45176190-G-A. GRCh37 (hg19) VCF-style: chr14-45645393-G-A.
Other names: c.3358G>A, p.Asp1120Asn (NM_001308133.2); short protein forms D1146N, D1120N.
Identifiers: ClinVar variation 861716 (VCV000861716.10), dbSNP rs142077813, ClinGen allele CA7169511.

ClinVar aggregate classification (germline): Uncertain significance. Review status: criteria provided, multiple submitters, no conflicts (2 of 4 stars). 3 submissions from 3 submitters: Uncertain significance (3). Last evaluated 2025-09-03.

Conditions:
Fanconi anemia (FA). Also called: Fanconi's anemia. Identifiers: Orphanet 84, MedGen C0015625, MeSH D005199, MONDO:0019391.
Spermatogenic failure 28. Identifiers: MedGen C4748117, MONDO:0054732, OMIM 618086.
Premature ovarian failure 15. Identifiers: MedGen C4748170, MONDO:0054862, OMIM 618096.

Allele frequency attached by ClinVar (database versions not stated): gnomAD exomes 0.00002; ExAC 0.00004; TOPMed 0.00004; ESP Exome Variant Server 0.00008.
gnomAD v4.1: 18 of 1,613,910 alleles (0.0011%); highest among the groups gnomAD compares: African/African-American, 0.013%; no homozygotes.

Submissions (3):

Labcorp Genetics (formerly Invitae), Labcorp
Classification: Uncertain significance for Fanconi anemia. Last evaluated: 2025-09-03. Review status: criteria provided, single submitter. Criteria: Invitae Variant Classification Sherloc (09022015). Collection method: clinical testing. Allele origin: germline.
Comment: This sequence change replaces aspartic acid, which is acidic and polar, with asparagine, which is neutral and polar, at codon 1146 of the FANCM protein (p.Asp1146Asn). This variant is present in population databases (rs142077813, gnomAD 0.01%). This variant has not been reported in the literature in individuals affected with FANCM-related conditions. ClinVar contains an entry for this variant (Variation ID: 861716). An algorithm developed to predict the effect of missense changes on protein structure and function (PolyPhen-2) suggests that this variant is likely to be tolerated. In summary, the available evidence is currently insufficient to determine the role of this variant in disease. Therefore, it has been classified as a Variant of Uncertain Significance.

Fulgent Genetics
Classification: Uncertain significance for Spermatogenic failure 28; Premature ovarian failure 15. Last evaluated: 2021-09-15. Review status: criteria provided, single submitter. Criteria: ACMG Guidelines, 2015. Collection method: clinical testing. Allele origin: unknown.

GeneDx
Classification: Uncertain significance. Last evaluated: 2021-02-15. Review status: criteria provided, single submitter. Criteria: GeneDx Variant Classification Process June 2021. Collection method: clinical testing. Allele origin: germline. Affected: yes.
Comment: Has not been previously published as pathogenic or benign to our knowledge; In silico analysis supports that this missense variant does not alter protein structure/function